The following is an entry in ClinVar:

NM_030928.4(CDT1):c.463G>A (p.Ala155Thr)

Gene: CDT1 (chromatin licensing and DNA replication factor 1; plus strand). Cytogenetic location: 16q24.3.
Variant type: single nucleotide variant.
Coding change: c.463G>A on transcript NM_030928.4 (MANE Select); coding-DNA position 463, G replaced by A.
Protein change: p.Ala155Thr; replaces alanine 155 with threonine.
Molecular consequence: missense variant.
Genome position (GRCh38, 1-based): chr16:88,804,873, G>A. VCF-style: chr16-88804873-G-A. GRCh37 (hg19) VCF-style: chr16-88871281-G-A.
Other names: short protein forms A155T.
Identifiers: ClinVar variation 4740124 (VCV004740124.1).

ClinVar aggregate classification (germline): Uncertain significance (1 of 4 stars; one submission).

gnomAD v4.1: 18 of 1,593,388 alleles (0.0011%); highest among the groups gnomAD compares: African/African-American, 0.023%; no homozygotes.

Submission:

Labcorp Genetics (formerly Invitae), Labcorp
Classification: Uncertain significance. Last evaluated: 2025-12-01. Review status: criteria provided, single submitter. Criteria: Invitae Variant Classification Sherloc (09022015). Collection method: clinical testing. Allele origin: germline.
Comment: This sequence change replaces alanine, which is neutral and non-polar, with threonine, which is neutral and polar, at codon 155 of the CDT1 protein (p.Ala155Thr). The frequency data for this variant in the population databases is considered unreliable, as metrics indicate poor data quality at this position in the gnomAD database. This variant has not been reported in the literature in individuals affected with CDT1-related conditions. An algorithm developed to predict the effect of missense changes on protein structure and function outputs the following: PolyPhen-2: "Benign". The threonine amino acid residue is found in multiple mammalian species, which suggests that this missense change does not adversely affect protein function. In summary, the available evidence is currently insufficient to determine the role of this variant in disease. Therefore, it has been classified as a Variant of Uncertain Significance.